The following is an entry in ClinVar:

NM_052947.4(ALPK2):c.2720C>A (p.Thr907Lys)

Gene: ALPK2 (alpha kinase 2; minus strand). Cytogenetic location: 18q21.31.
Variant type: single nucleotide variant.
Coding change: c.2720C>A on transcript NM_052947.4 (MANE Select); coding-DNA position 2720, C replaced by A.
Protein change: p.Thr907Lys; replaces threonine 907 with lysine.
Molecular consequence: missense variant.
Genome position (GRCh38, 1-based): chr18:58,537,467, G>T on the plus strand (C>A on the coding strand, the complement: ALPK2 is on the minus strand). VCF-style: chr18-58537467-G-T. GRCh37 (hg19) VCF-style: chr18-56204699-G-T.
Other names: short protein forms T907K.
Identifiers: ClinVar variation 1795191 (VCV001795191.2), dbSNP rs1317064184, ClinGen allele CA402569927.

ClinVar aggregate classification (germline): Uncertain significance (1 of 4 stars; one submission).

Allele frequency attached by ClinVar (database versions not stated): TOPMed 0.00001; gnomAD 0.00002.
gnomAD v4.1: 3 of 1,611,982 alleles (0.00019%); highest among the groups gnomAD compares: African/African-American, 0.0013%; no homozygotes.

Submission:

Ambry Genetics
Classification: Uncertain significance. Last evaluated: 2023-11-02. Review status: criteria provided, single submitter. Criteria: Ambry Variant Classification Scheme 2023. Collection method: clinical testing. Allele origin: germline.
Comment: The p.T907K variant (also known as c.2720C>A), located in coding exon 4 of the ALPK2 gene, results from a C to A substitution at nucleotide position 2720. The threonine at codon 907 is replaced by lysine, an amino acid with similar properties. This amino acid position is conserved. In addition, this alteration is predicted to be tolerated by in silico analysis. Since supporting evidence is limited at this time, the clinical significance of this alteration remains unclear.